The following is an entry in ClinVar:

NM_013254.4(TBK1):c.14C>G (p.Ser5Cys)

Gene: TBK1 (TANK binding kinase 1; plus strand). Cytogenetic location: 12q14.2.
Variant type: single nucleotide variant.
Coding change: c.14C>G on transcript NM_013254.4 (MANE Select); coding-DNA position 14, C replaced by G.
Protein change: p.Ser5Cys; replaces serine 5 with cysteine.
Molecular consequence: missense variant.
Genome position (GRCh38, 1-based): chr12:64,455,884, C>G. VCF-style: chr12-64455884-C-G. GRCh37 (hg19) VCF-style: chr12-64849664-C-G.
Other names: short protein forms S5C.
Identifiers: ClinVar variation 4873739 (VCV004873739.2).

ClinVar aggregate classification (germline): Likely benign (1 of 4 stars; one submission).

gnomAD v4.1: 40 of 1,612,860 alleles (0.0025%); highest among the groups gnomAD compares: South Asian, 0.044%; no homozygotes.

Submission:

CeGaT Center for Human Genetics Tuebingen
Classification: Likely benign. Last evaluated: 2026-06-01. Review status: criteria provided, single submitter. Criteria: CeGaT Center For Human Genetics Tuebingen Variant Classification Criteria Version 2. Collection method: clinical testing. Allele origin: germline. Affected: yes. Observed: 1 variant allele.
Comment: TBK1: BP4